The following is an entry in ClinVar:

ClinVar aggregate classification (germline): Uncertain significance. Review status: criteria provided, single submitter (1 of 4 stars). 2 submissions from 2 submitters: Uncertain significance (1). 1 of the submissions does not count toward it. Last evaluated 2025-03-12.

Conditions:
KCNQ5-related disorder. Also called: KCNQ5-related condition.

Submissions (2):

GeneDx
Classification: Uncertain significance. Last evaluated: 2025-03-12. Review status: criteria provided, single submitter. Criteria: GeneDx Variant Classification Process June 2021. Collection method: clinical testing. Allele origin: germline. Affected: yes.
Comment: Not observed at significant frequency in large population cohorts (gnomAD); Has not been previously published as pathogenic or benign to our knowledge; Frameshift variant predicted to result in abnormal protein length as the last 39 amino acids are replaced with 9 different amino acids with an unclear effect on protein function

PreventionGenetics, part of Exact Sciences
Classification: Uncertain significance for KCNQ5-related condition. Last evaluated: 2024-06-27. Review status: no assertion criteria provided. Collection method: clinical testing. Allele origin: germline. Not counted in ClinVar's aggregate classification.
Comment: The KCNQ5 c.2736delC variant is predicted to result in a frameshift and premature protein termination (p.Arg913Glyfs*10). To our knowledge, this variant has not been reported in the literature or in a large population database, indicating this variant is rare. This variant occurs within the terminal exon and near the stop codon. Loss of function has not been a well-established mechanism of KCNQ5-related disease. At this time, the clinical significance of this variant is uncertain due to the absence of conclusive functional and genetic evidence.

NM_019842.4(KCNQ5):c.2679del (p.Arg894fs)

Gene: KCNQ5 (potassium voltage-gated channel subfamily Q member 5; plus strand). Cytogenetic location: 6q13.
Variant type: Deletion.
Coding change: c.2679del on transcript NM_019842.4 (MANE Select); coding-DNA position 2679, one base deleted (C; older notation c.2679delC).
Protein change: p.Arg894fs; shifts the reading frame from arginine 894.
Molecular consequence: frameshift variant.
Genome position (GRCh38, 1-based): chr6:73,195,294, C deleted; the last of 2 consecutive C bases (chr6:73,195,293-73,195,294); deleting either gives the same sequence. VCF-style (leftmost placement, unchanged base first): chr6-73195292-GC-G. GRCh37 (hg19) VCF-style: chr6-73905015-GC-G.
Other names: c.2736delC (NM_001160133.1); c.2736del (NM_001160133.1); c.2652del, p.Arg885fs (NM_001160130.2); c.2709del, p.Arg904fs (NM_001160132.2); c.2736del, p.Arg913fs (NM_001160133.2); c.2349del, p.Arg784fs (NM_001160134.2); short protein forms R784fs, R885fs, R894fs, R904fs, R913fs.
Identifiers: ClinVar variation 2628519 (VCV002628519.3), dbSNP rs1421278780, ClinGen allele CA827893435.